The following is an entry in ClinVar:

NM_031935.3(HMCN1):c.11191G>T (p.Val3731Leu)

Gene: HMCN1 (hemicentin 1; plus strand). Cytogenetic location: 1q31.1.
Variant type: single nucleotide variant.
Coding change: c.11191G>T on transcript NM_031935.3 (MANE Select); coding-DNA position 11191, G replaced by T.
Protein change: p.Val3731Leu; replaces valine 3731 with leucine.
Molecular consequence: missense variant.
Genome position (GRCh38, 1-based): chr1:186,114,038, G>T. VCF-style: chr1-186114038-G-T. GRCh37 (hg19) VCF-style: chr1-186083170-G-T.
Other names: short protein forms V3731L.
Identifiers: ClinVar variation 1487299 (VCV001487299.6), dbSNP rs773110395, ClinGen allele CA1293959.

ClinVar aggregate classification (germline): Uncertain significance (1 of 4 stars; one submission).

gnomAD v4.1: 25 of 1,613,992 alleles (0.0015%); highest among the groups gnomAD compares: African/African-American, 0.0027%; no homozygotes.

Submission:

Labcorp Genetics (formerly Invitae), Labcorp
Classification: Uncertain significance. Last evaluated: 2021-10-28. Review status: criteria provided, single submitter. Criteria: Invitae Variant Classification Sherloc (09022015). Collection method: clinical testing. Allele origin: germline.
Comment: This sequence change replaces valine, which is neutral and non-polar, with leucine, which is neutral and non-polar, at codon 3731 of the HMCN1 protein (p.Val3731Leu). In summary, the available evidence is currently insufficient to determine the role of this variant in disease. Therefore, it has been classified as a Variant of Uncertain Significance. Algorithms developed to predict the effect of missense changes on protein structure and function output the following: SIFT: "Tolerated"; PolyPhen-2: "Benign"; Align-GVGD: "Class C0". The leucine amino acid residue is found in multiple mammalian species, which suggests that this missense change does not adversely affect protein function. This variant has not been reported in the literature in individuals affected with HMCN1-related conditions. This variant is present in population databases (rs773110395, gnomAD 0.007%).